The following is an entry in ClinVar:

ClinVar aggregate classification (germline): Uncertain significance (1 of 4 stars; one submission).

Allele frequency attached by ClinVar (database versions not stated): gnomAD exomes below 0.00001.

Submission:

CeGaT Center for Human Genetics Tuebingen
Classification: Uncertain significance. Last evaluated: 2022-11-01. Review status: criteria provided, single submitter. Criteria: CeGaT Center For Human Genetics Tuebingen Variant Classification Criteria Version 2. Collection method: clinical testing. Allele origin: germline. Affected: yes. Observed: 1 variant allele.
Comment: EVX2: PM2, PP3

NM_001080458.2(EVX2):c.827A>G (p.Tyr276Cys)

Gene: EVX2 (even-skipped homeobox 2; minus strand). Cytogenetic location: 2q31.1.
Variant type: single nucleotide variant.
Coding change: c.827A>G on transcript NM_001080458.2 (MANE Select); coding-DNA position 827, A replaced by G.
Protein change: p.Tyr276Cys; replaces tyrosine 276 with cysteine.
Molecular consequence: missense variant.
Genome position (GRCh38, 1-based): chr2:176,080,711, T>C on the plus strand (A>G on the coding strand, the complement: EVX2 is on the minus strand). VCF-style: chr2-176080711-T-C. GRCh37 (hg19) VCF-style: chr2-176945439-T-C.
Other names: short protein forms Y276C.
Identifiers: ClinVar variation 2651557 (VCV002651557.24), dbSNP rs2468133549, ClinGen allele CA349350117.